The following is an entry in ClinVar:

NM_006005.3(WFS1):c.663G>C (p.Lys221Asn)

Gene: WFS1 (wolframin ER transmembrane glycoprotein; plus strand). Cytogenetic location: 4p16.1.
Variant type: single nucleotide variant.
Coding change: c.663G>C on transcript NM_006005.3 (MANE Select); coding-DNA position 663, G replaced by C.
Protein change: p.Lys221Asn; replaces lysine 221 with asparagine.
Molecular consequence: missense variant.
Genome position (GRCh38, 1-based): chr4:6,291,948, G>C. VCF-style: chr4-6291948-G-C. GRCh37 (hg19) VCF-style: chr4-6293675-G-C.
Other names: c.663G>C, p.Lys221Asn (NM_001145853.1); short protein forms K221N.
Identifiers: ClinVar variation 1317454 (VCV001317454.2), dbSNP rs2109117160, ClinGen allele CA356172258.

ClinVar aggregate classification (germline): Uncertain significance (1 of 4 stars; one submission).

Allele frequency attached by ClinVar (database versions not stated): gnomAD exomes below 0.00001.
gnomAD v4.1: 1 of 1,611,428 alleles (0.000062%); highest among the groups gnomAD compares: Non-Finnish European, 0.000085%; no homozygotes.

Submission:

GeneDx
Classification: Uncertain significance. Last evaluated: 2019-08-14. Review status: criteria provided, single submitter. Criteria: GeneDx Variant Classification Process June 2021. Collection method: clinical testing. Allele origin: germline. Affected: yes.
Comment: Not observed in large population cohorts (Lek et al., 2016); In silico analysis, which includes protein predictors and evolutionary conservation, supports that this variant does not alter protein structure/function; Has not been previously published as pathogenic or benign to our knowledge